The following is an entry in ClinVar:

NM_001128178.3(NPHP1):c.729-2A>G

Gene: NPHP1 (nephrocystin 1; minus strand). Cytogenetic location: 2q13.
Variant type: single nucleotide variant.
Coding change: c.729-2A>G on transcript NM_001128178.3 (MANE Select); the canonical splice acceptor site of the intron before coding-DNA position 729, A replaced by G.
Molecular consequence: splice acceptor variant.
Genome position (GRCh38, 1-based): chr2:110,164,732, T>C on the plus strand (A>G on the coding strand, the complement: NPHP1 is on the minus strand). VCF-style: chr2-110164732-T-C. GRCh37 (hg19) VCF-style: chr2-110922309-T-C.
Other names: c.543-2A>G (NM_001128179.3); c.729-2A>G (NM_001374256.1, NM_001374257.1, NM_207181.4 and 2 more transcripts).
Identifiers: ClinVar variation 1503211 (VCV001503211.10), dbSNP rs773781058, ClinGen allele CA1827284.

ClinVar aggregate classification (germline): Likely pathogenic. Review status: criteria provided, multiple submitters, no conflicts (2 of 4 stars). 5 submissions from 5 submitters: Likely pathogenic (5). Last evaluated 2025-03-07.

Conditions:
Joubert syndrome with renal defect. Also called: JOUBERT SYNDROME 4. Identifiers: Orphanet 220497, MedGen C1846790, MONDO:0012308, OMIM 609583.
Nephronophthisis. Also called: Juvenile Nephronophthisis. Identifiers: Orphanet 655, MedGen C0687120, MONDO:0019005, HP:0000090.
NPHP1-related disorder. Also called: NPHP1-related condition; NPHP1-related disorders.
Nephronophthisis 1 (NPHP1). Also called: Nephronophthisis familial juvenile. Identifiers: Orphanet 655, Orphanet 93592, MedGen C1855681, MONDO:0009728, OMIM 256100.
Senior-Loken syndrome 1 (SLSN1). Also called: JUVENILE NEPHRONOPHTHISIS WITH LEBER AMAUROSIS. Identifiers: Orphanet 3156, MedGen C4551559, MONDO:0009962, OMIM 266900.

Allele frequency attached by ClinVar (database versions not stated): gnomAD exomes below 0.00001 and 0.00002; TOPMed below 0.00001; ExAC 0.00002.
gnomAD v4.1: 4 of 1,613,540 alleles (0.00025%); highest among the groups gnomAD compares: Admixed American, 0.0067%; no homozygotes.

Submissions (5):

PreventionGenetics, part of Exact Sciences
Classification: Likely pathogenic for NPHP1-related condition. Last evaluated: 2025-03-07. Review status: criteria provided, single submitter. Criteria: ACMG Guidelines, 2015. Collection method: clinical testing. Allele origin: germline.
Comment: The NPHP1 c.729-2A>G variant is predicted to disrupt the AG splice acceptor site and interfere with normal splicing. To our knowledge, this variant has not been reported in a clinically affected individual in the literature. This variant is reported in 0.014% of alleles in individuals of Latino descent in gnomAD. Variants that disrupt the consensus splice acceptor site in NPHP1 are expected to be pathogenic. This variant is interpreted as likely pathogenic.

Fulgent Genetics
Classification: Likely pathogenic for Nephronophthisis 1; Senior-Loken syndrome 1; Joubert syndrome with renal defect. Last evaluated: 2024-05-20. Review status: criteria provided, single submitter. Criteria: ACMG Guidelines, 2015. Collection method: clinical testing. Allele origin: germline.

Baylor Genetics
Classification: Likely pathogenic for Joubert syndrome with renal defect. Last evaluated: 2024-02-15. Review status: criteria provided, single submitter. Criteria: ACMG Guidelines, 2015. Collection method: clinical testing. Allele origin: unknown.

Labcorp Genetics (formerly Invitae), Labcorp
Classification: Likely pathogenic for Nephronophthisis. Last evaluated: 2023-11-10. Review status: criteria provided, single submitter. Criteria: Invitae Variant Classification Sherloc (09022015). Collection method: clinical testing. Allele origin: germline.
Comment: This sequence change affects an acceptor splice site in intron 7 of the NPHP1 gene. It is expected to disrupt RNA splicing. Variants that disrupt the donor or acceptor splice site typically lead to a loss of protein function (PMID: 16199547), and loss-of-function variants in NPHP1 are known to be pathogenic (PMID: 23559409). This variant is present in population databases (rs773781058, gnomAD 0.01%). This variant has not been reported in the literature in individuals affected with NPHP1-related conditions. ClinVar contains an entry for this variant (Variation ID: 1503211). Algorithms developed to predict the effect of sequence changes on RNA splicing suggest that this variant may disrupt the consensus splice site. In summary, the currently available evidence indicates that the variant is pathogenic, but additional data are needed to prove that conclusively. Therefore, this variant has been classified as Likely Pathogenic.

Blueprint Genetics
Classification: Likely pathogenic for NPHP1-related disorders. Last evaluated: 2021-02-25. Review status: criteria provided, single submitter. Criteria: ACMG Guidelines, 2015. Collection method: clinical testing. Allele origin: germline. Affected: yes. Observed: 2 variant alleles.

Literature cited by the submitters: PubMed 16199547 (cited by Labcorp Genetics (formerly Invitae), Labcorp); PubMed 23559409 (cited by Labcorp Genetics (formerly Invitae), Labcorp).